The following is an entry in ClinVar:

ClinVar aggregate classification (germline): Uncertain significance. Review status: criteria provided, multiple submitters, no conflicts (2 of 4 stars). 3 submissions from 3 submitters: Uncertain significance (3). Last evaluated 2026-01-05.

Conditions:
Inborn genetic diseases. Identifiers: MedGen C0950123, MeSH D030342.
Congenital myasthenic syndrome 8. Also called: MYASTHENIC SYNDROME, CONGENITAL, DUE TO AGRIN DEFICIENCY; Myasthenic syndrome, congenital, 8, with pre- and postsynaptic defects. Identifiers: Orphanet 590, MedGen C3808739, MONDO:0014052, OMIM 615120.

Allele frequency attached by ClinVar (database versions not stated): gnomAD 0.00001 and 0.00002; TOPMed 0.00001; ExAC 0.00011; gnomAD exomes 0.00014.
gnomAD v4.1: 118 of 1,607,550 alleles (0.0073%); highest among the groups gnomAD compares: South Asian, 0.061%; 1 homozygote.

Submissions (3):

Labcorp Genetics (formerly Invitae), Labcorp
Classification: Uncertain significance for Congenital myasthenic syndrome 8. Last evaluated: 2026-01-05. Review status: criteria provided, single submitter. Criteria: Invitae Variant Classification Sherloc (09022015). Collection method: clinical testing. Allele origin: germline.
Comment: This sequence change replaces glycine, which is neutral and non-polar, with serine, which is neutral and polar, at codon 640 of the AGRN protein (p.Gly640Ser). This variant is present in population databases (rs759762952, gnomAD 0.07%). This variant has not been reported in the literature in individuals affected with AGRN-related conditions. ClinVar contains an entry for this variant (Variation ID: 541175). An algorithm developed to predict the effect of missense changes on protein structure and function outputs the following: PolyPhen-2: "Probably Damaging". The serine amino acid residue is found in multiple mammalian species, which suggests that this missense change does not adversely affect protein function. In summary, the available evidence is currently insufficient to determine the role of this variant in disease. Therefore, it has been classified as a Variant of Uncertain Significance.

Ambry Genetics
Classification: Uncertain significance for Inborn genetic diseases. Last evaluated: 2021-09-17. Review status: criteria provided, single submitter. Criteria: Ambry Variant Classification Scheme 2023. Collection method: clinical testing. Allele origin: germline.

Blueprint Genetics
Classification: Uncertain significance. Last evaluated: 2021-06-30. Review status: criteria provided, single submitter. Criteria: ACMG Guidelines, 2015. Collection method: clinical testing. Allele origin: germline.

NM_198576.4(AGRN):c.1918G>A (p.Gly640Ser)

Gene: AGRN (agrin; plus strand). Cytogenetic location: 1p36.33.
Variant type: single nucleotide variant.
Coding change: c.1918G>A on transcript NM_198576.4 (MANE Select); coding-DNA position 1918, G replaced by A.
Protein change: p.Gly640Ser; replaces glycine 640 with serine.
Molecular consequence: missense variant.
Genome position (GRCh38, 1-based): chr1:1,043,942, G>A. VCF-style: chr1-1043942-G-A. GRCh37 (hg19) VCF-style: chr1-979322-G-A.
Other names: c.1918G>A, p.Gly640Ser (NM_001305275.2); c.1603G>A, p.Gly535Ser (NM_001364727.2); short protein forms G640S, G535S.
Identifiers: ClinVar variation 541175 (VCV000541175.11), dbSNP rs759762952, ClinGen allele CA508379.